The following is an entry in ClinVar:

ClinVar aggregate classification (germline): Uncertain significance (1 of 4 stars; one submission).

Conditions:
Fibrous dysplasia of jaw (CRBM). Also called: Cherubism. Identifiers: Orphanet 184, MedGen C0008029, MONDO:0007315, OMIM 118400.

Submission:

Labcorp Genetics (formerly Invitae), Labcorp
Classification: Uncertain significance for Fibrous dysplasia of jaw. Last evaluated: 2025-12-26. Review status: criteria provided, single submitter. Criteria: Invitae Variant Classification Sherloc (09022015). Collection method: clinical testing. Allele origin: germline.
Comment: This sequence change creates a premature translational stop signal (p.Leu235Serfs*37) in the SH3BP2 gene. It is expected to result in an absent or disrupted protein product. However, the current clinical and genetic evidence is not sufficient to establish whether loss-of-function variants in SH3BP2 cause disease. This variant is not present in population databases (gnomAD no frequency). This variant has not been reported in the literature in individuals affected with SH3BP2-related conditions. In summary, the available evidence is currently insufficient to determine the role of this variant in disease. Therefore, it has been classified as a Variant of Uncertain Significance.

NM_001122681.2(SH3BP2):c.703_721del (p.Leu235fs)

Gene: SH3BP2 (SH3 domain binding protein 2; plus strand). Cytogenetic location: 4p16.3.
Variant type: Deletion.
Coding change: c.703_721del on transcript NM_001122681.2 (MANE Select); coding-DNA positions 703 to 721, 19 bases deleted (CTGCCACCCCCGCCCCCTA).
Protein change: p.Leu235fs; shifts the reading frame from leucine 235.
Molecular consequence: frameshift variant.
Genome position (GRCh38, 1-based): chr4:2,829,609-2,829,627, CTGCCACCCCCGCCCCCTA deleted; deleting any 19 consecutive bases within chr4:2,829,603-2,829,627 gives the same sequence; the c. name uses the placement nearest the transcript's 3' end. VCF-style (leftmost placement, unchanged base first): chr4-2829602-TCCCCTACTGCCACCCCCGC-T. GRCh37 (hg19) VCF-style: chr4-2831329-TCCCCTACTGCCACCCCCGC-T.
Other names: c.787_805del, p.Leu263fs (NM_001145855.2); c.874_892del, p.Leu292fs (NM_001145856.2); c.703_721del, p.Leu235fs (NM_003023.4); short protein forms L292fs, L235fs, L263fs.
Identifiers: ClinVar variation 4733656 (VCV004733656.1).